The following is an entry in ClinVar:

ClinVar aggregate classification (germline): Uncertain significance (1 of 4 stars; one submission).

Submission:

CeGaT Center for Human Genetics Tuebingen
Classification: Uncertain significance. Last evaluated: 2025-11-01. Review status: criteria provided, single submitter. Criteria: CeGaT Center For Human Genetics Tuebingen Variant Classification Criteria Version 2. Collection method: clinical testing. Allele origin: germline. Affected: yes. Observed: 1 variant allele.
Comment: ZMYND11: PM2, PP2

NM_001370100.5(ZMYND11):c.685A>T (p.Ile229Phe)

Gene: ZMYND11 (zinc finger MYND-type containing 11; plus strand). Cytogenetic location: 10p15.3.
Variant type: single nucleotide variant.
Coding change: c.685A>T on transcript NM_001370100.5 (MANE Select); coding-DNA position 685, A replaced by T.
Protein change: p.Ile229Phe; replaces isoleucine 229 with phenylalanine.
Molecular consequence: missense variant. On other transcripts: non-coding transcript variant (1), intron variant (2).
Genome position (GRCh38, 1-based): chr10:239,513, A>T. VCF-style: chr10-239513-A-T. GRCh37 (hg19) VCF-style: chr10-285453-A-T.
Other names: c.523A>T, p.Ile175Phe (NM_001202464.3, NM_001202466.3, NM_001202467.1 and 8 more transcripts); c.430A>T, p.Ile144Phe (NM_001202465.3, NM_001370110.2); c.685A>T, p.Ile229Phe (NM_001202468.1, NM_001370097.3, NM_001370115.2 and 8 more transcripts); c.634A>T, p.Ile212Phe (NM_001330057.3, NM_001370112.2); c.592A>T, p.Ile198Phe (NM_001370113.2, NM_001370114.2); c.619A>T, p.Ile207Phe (NM_001370116.2); c.565A>T, p.Ile189Phe (NM_001370118.2); c.457A>T, p.Ile153Phe (NM_001370120.2); and 4 more; short protein forms I135F, I144F, I153F, I175F, I189F, I198F, I207F, I212F.
Identifiers: ClinVar variation 4535295 (VCV004535295.6).